The following continues an entry in ClinVar:

NM_000051.4(ATM):c.6154G>A (p.Glu2052Lys)

ClinVar aggregate classification (germline): Conflicting classifications of pathogenicity. Pathogenic (2); Likely pathogenic (19); Uncertain significance (5).

Submissions 7 to 18 of 29:

Biotechnology, Institute of Science, Nirma University
Classification: Uncertain significance for Familial cancer of breast. Last evaluated: 2025-10-06. Review status: criteria provided, single submitter. Criteria: ACMG Guidelines, 2015. Collection method: research. Allele origin: germline. Affected: yes. Observed: 1 heterozygote.
Comment: The variant lies in exon 42 of ATM gene, and results in substitution of glutamic acid to lysine. It lies in the FAT domain of ATM_HUMAN protein. This variant has been previously reported in dbSNP and ClinVar databases in cases of hereditary cancer-predisposing syndrome. The effect of variant is rpedicted as TOLERATED using SIFT. The ACMG criteria PM3 and BP4 are met; hence, this variant has been classified as VUS.

Ambry Genetics
Classification: Likely pathogenic for Hereditary cancer-predisposing syndrome. Last evaluated: 2025-08-19. Review status: criteria provided, single submitter. Criteria: Ambry Variant Classification Scheme 2023. Collection method: clinical testing. Allele origin: germline.
Comment: The p.E2052K variant (also known as c.6154G>A), located in coding exon 41 of the ATM gene, results from a G to A substitution at nucleotide position 6154. The glutamic acid at codon 2052 is replaced by lysine, an amino acid with similar properties. This variant has been reported in a homozygous state in an individual diagnosed with ataxia telangiectasia (A-T) (Teraoka SN et al. Am. J. Hum. Genet. 1999 Jun; 64(6):1617-31). Further, Teraoka et al. state this individual only produced transcripts with the deletion of exon 44 (coding exon 41), leading to a frameshift, and western blotting of lysates failed to reveal any ATM protein. This variant has also been reported in a compound heterozygous state in multiple individuals with dystonia, but without ataxia and telangiectasia (Necp&aacute;l J et al. Mov Disord Clin Pract. Dec;5:89-91; Rudenskaya GE et al. Zh Nevrol Psikhiatr Im S S Korsakova, 2019;119:101-106; Blanchard-Rohner G et al. Front Immunol, 2022 Jan;13:791522; Jin B et al. Neurol Genet, 2024 Apr;10:e200141), and in 3 siblings with dopa-responsive dystonia (Charlesworth G et al. Neurology. 2013 Sep; 81(13):1148-51). The p.E2052K variant has also been reported in individuals with a personal and/or family history of breast and/or ovarian cancer (Kraus C et al. Int. J. Cancer. 2017 Jan;140:95-102; Singh J et al. Breast Cancer Res. Treat. 2018 Jul;170:189-196; Fu F et al. Cancer Biol Med, 2021 Oct;19:253-62; Toss A et al. Genes (Basel), 2021 Apr;12:). This amino acid position is well conserved in available vertebrate species. In addition, this alteration is predicted to be tolerated by in silico analysis. Based on available evidence to date, this variant is unlikely to be causative of classical ataxia-telangiectasia; however, it may be associated with dystonia and may lead to increased risk of developing ATM-related cancer. Based on the majority of available evidence to date, this variant is likely to be pathogenic.

First Genomix Gene Laboratory, Genetic Diagnostics Department
Classification: Likely pathogenic for Ataxia-telangiectasia syndrome. Last evaluated: 2025-08-04. Review status: criteria provided, single submitter. Criteria: ACMG Guidelines, 2015. Collection method: clinical testing. Allele origin: germline. Inheritance: Autosomal recessive inheritance. Affected: no. Observed: 1 variant allele.

Natera, Inc.
Classification: Pathogenic for Ataxia-telangiectasia. Last evaluated: 2025-01-28. Review status: criteria provided, single submitter. Criteria: Natera Variant Classification Schema (03/2026). Collection method: clinical testing. Allele origin: germline.
Comment: The c.6154G>A variant in ATM is a missense variant predicted to cause substitution of glutamic acid to lysine at amino acid 2052. This variant is rare in the general population with a frequency below the threshold expected for the associated phenotype(s). This variant has been observed in one or more individuals affected with the associated recessive disease, as either homozygous or compound heterozygous with a second variant (PMID: 10330348, 30363071, 35154108, 23946315). Additionally, this variant has been observed to segregate in affected family members (PMID: 35154108, 23946315, 38854973). Computational prediction algorithms indicate this variant is likely to affect gene or protein function. Given the available evidence, this variant is classified as Pathogenic.

German Consortium for Hereditary Breast and Ovarian Cancer, University Hospital Cologne
Classification: Likely pathogenic for Hereditary breast ovarian cancer syndrome. Last evaluated: 2024-09-10. Review status: criteria provided, single submitter. Criteria: ClinGen ATM V1.3.0. Collection method: curation. Allele origin: germline.
Comment: According to the ClinGen ACMG ATM v1.3.0 criteria we chose these criteria: PS3 (medium pathogenic): Blanchard-Rohner, 2022 (PMID: 35154108): Lymphoblastoid cell lines derived from two individuals affected with variant ataxia-telangiectasia (diagnosed in young adulthood as their phenotype was much milder), showed reduced levels of ATM expression and ATM activity, while some residual ATM kinase activity still remained. Functional studies performed by this group revealed absence of ATM protein by Western blotting and ATM transcripts with missing exon 44 (PMID: 10330348), PM3 (strong pathogenic): Observed with a second pathogenic ATM variant in trans in several individuals who had a milder phenotype of ataxia telangiectasia (e.g. Charlesworth 2013; PMID: 23946315); Patients typically showed segmental dystonia in some cases with conjunctival telangiectasia, a phenotype corresponding to variant ataxia telangiectasia, characteristic to missense mutations that leave some residual ATM kinase activity (Schon 2019; PMID: 30549301). Invitae: This missense change has been observed on the opposite chromosome (in trans) from a pathogenic variant in ATM in an individual who was not affected with recessive ATM-related conditions (Accession-ID: SCV000218611.13). , BP4 (supporting benign): REVEL 0.21

Molecular Pathology, Peter Maccallum Cancer Centre
Classification: Uncertain significance for Ataxia-telangiectasia syndrome. Last evaluated: 2024-08-12. Review status: criteria provided, single submitter. Criteria: ACMG Guidelines, 2015. Collection method: clinical testing. Allele origin: germline. Inheritance: Autosomal recessive inheritance.

Baylor Genetics
Classification: Likely pathogenic for Familial cancer of breast. Last evaluated: 2024-02-29. Review status: criteria provided, single submitter. Criteria: ACMG Guidelines, 2015. Collection method: clinical testing. Allele origin: unknown.

Fulgent Genetics
Classification: Likely pathogenic for Familial cancer of breast; Ataxia-telangiectasia syndrome. Last evaluated: 2024-01-24. Review status: criteria provided, single submitter. Criteria: ACMG Guidelines, 2015. Collection method: clinical testing. Allele origin: germline.

Blueprint Genetics
Classification: Likely pathogenic for ATM-related disorders. Last evaluated: 2024-01-17. Review status: criteria provided, single submitter. Criteria: ACMG Guidelines, 2015. Collection method: clinical testing. Allele origin: germline. Affected: yes. Observed: 5 variant alleles.

KCCC/NGS Laboratory, Kuwait Cancer Control Center
Classification: Likely pathogenic for Familial cancer of breast. Last evaluated: 2023-06-06. Review status: criteria provided, single submitter. Criteria: ACMG Guidelines, 2015. Collection method: clinical testing. Allele origin: germline. Affected: yes.
Comment: A likely pathogenic mutationsin the ATM gene (c.6154G>A). This sequence change results in a moderately conserved amino acid change located in the PIK-related kinase domain (IPR014009) of the encoded protein sequence. In-silico predictions show Pathogenic computational verdict based on 8 pathogenic predictions from DANN, EIGEN, FATHMM-MKL, LIST-S2, M-CAP, MVP, MutationAssessor and MutationTaster vs 4 benign predictions from BayesDel_addAF, DEOGEN2, PrimateAI and SIFT. The variant allele was found at a frequency of 5.7e-05 in 282788 control chromosomes, predominantly at a frequency of 0.0004 within the South Asian subpopulation in the gnomAD database. However, the variant was reported with an even higher frequency (0.001) in Indian subpopulations (Narang 2020). This variant, c.6154G>A, has been observed with a second pathogenic ATM variant in trans in several individuals who had a milder phenotype of ataxia telangiectasia (e.g. Charlesworth_2013, Necpal_2018, Rudenskaya_2019, Carecchio_2019); these patients typically had segmental dystonia in some cases with conjunctival telangiectasia, a phenotype corresponding to variant ataxia telangiectasia, characteristic to missense mutations that leave some residual ATM kinase activity (see e.g. PMID 30549301). Therefore, this variant has been classified as likely pathogenic.

Institute of Human Genetics, University of Leipzig Medical Center
Classification: Uncertain significance for Familial cancer of breast. Last evaluated: 2023-04-03. Review status: criteria provided, single submitter. Criteria: ACMG Guidelines, 2015. Collection method: clinical testing. Allele origin: unknown. Affected: yes.
Comment: _x000D_ Criteria applied: PS4_MOD, PP3

GeneDx
Classification: Likely pathogenic. Last evaluated: 2022-09-16. Review status: criteria provided, single submitter. Criteria: GeneDx Variant Classification Process June 2021. Collection method: clinical testing. Allele origin: germline. Affected: yes.
Comment: Observed in individuals with breast and other cancers (Kraus et al., 2017; Lilyquist et al., 2017; Hampel et al., 2018; Singh et al., 2018; Adaniel et al., 2019; Lu et al., 2019; Toss et al., 2021; Ayaz et al., 2022); In silico analysis supports that this missense variant does not alter protein structure/function; This variant is associated with the following publications: (PMID: 30548122, 29470806, 28888541, 23532176, 25572163, 24220272, 27616075, 10330348, 31125277, 30128536, 29596542, 31407689, 30363071, 32860008, 31216378, 32832836, 34426522, 33919281, 33098801, Blanchard-Rohner[article], 35154108, 29922827, Ayaz2022[article], 34954471, 23946315)